The following is an entry in ClinVar:

ClinVar aggregate classification (germline): Uncertain significance. Review status: criteria provided, multiple submitters, no conflicts (2 of 4 stars). 2 submissions from 2 submitters: Uncertain significance (2). Last evaluated 2025-12-26.

Conditions:
Inborn genetic diseases. Identifiers: MedGen C0950123, MeSH D030342.

Submissions (2):

Labcorp Genetics (formerly Invitae), Labcorp
Classification: Uncertain significance. Last evaluated: 2025-12-26. Review status: criteria provided, single submitter. Criteria: Invitae Variant Classification Sherloc (09022015). Collection method: clinical testing. Allele origin: germline.
Comment: This sequence change replaces alanine, which is neutral and non-polar, with glutamic acid, which is acidic and polar, at codon 2592 of the COL7A1 protein (p.Ala2592Glu). This variant is not present in population databases (gnomAD no frequency). This variant has not been reported in the literature in individuals affected with COL7A1-related conditions. ClinVar contains an entry for this variant (Variation ID: 3495785). Invitae Evidence Modeling of protein sequence and biophysical properties (such as structural, functional, and spatial information, amino acid conservation, physicochemical variation, residue mobility, and thermodynamic stability) indicates that this missense variant is not expected to disrupt COL7A1 protein function with a negative predictive value of 95%. In summary, the available evidence is currently insufficient to determine the role of this variant in disease. Therefore, it has been classified as a Variant of Uncertain Significance.

Ambry Genetics
Classification: Uncertain significance for Inborn genetic diseases. Last evaluated: 2024-09-26. Review status: criteria provided, single submitter. Criteria: Ambry Variant Classification Scheme 2023. Collection method: clinical testing. Allele origin: germline.

NM_000094.4(COL7A1):c.7775C>A (p.Ala2592Glu)

Gene: COL7A1 (collagen type VII alpha 1 chain; minus strand). Cytogenetic location: 3p21.31.
Variant type: single nucleotide variant.
Coding change: c.7775C>A on transcript NM_000094.4 (MANE Select); coding-DNA position 7775, C replaced by A.
Protein change: p.Ala2592Glu; replaces alanine 2592 with glutamic acid.
Molecular consequence: missense variant.
Genome position (GRCh38, 1-based): chr3:48,568,518, G>T on the plus strand (C>A on the coding strand, the complement: COL7A1 is on the minus strand). VCF-style: chr3-48568518-G-T. GRCh37 (hg19) VCF-style: chr3-48605951-G-T.
Other names: short protein forms A2592E.
Identifiers: ClinVar variation 3495785 (VCV003495785.2).